The following is an entry in ClinVar:

NM_032119.4(ADGRV1):c.4301G>T (p.Gly1434Val)

Gene: ADGRV1 (adhesion G protein-coupled receptor V1; plus strand). Cytogenetic location: 5q14.3.
Variant type: single nucleotide variant.
Coding change: c.4301G>T on transcript NM_032119.4 (MANE Select); coding-DNA position 4301, G replaced by T.
Protein change: p.Gly1434Val; replaces glycine 1434 with valine.
Molecular consequence: missense variant. On other transcripts: non-coding transcript variant (1).
Genome position (GRCh38, 1-based): chr5:90,653,875, G>T. VCF-style: chr5-90653875-G-T. GRCh37 (hg19) VCF-style: chr5-89949692-G-T.
Other names: short protein forms G1434V.
Identifiers: ClinVar variation 1367778 (VCV001367778.6), dbSNP rs2149468655, ClinGen allele CA360402255.

ClinVar aggregate classification (germline): Uncertain significance (1 of 4 stars; one submission).

Submission:

Labcorp Genetics (formerly Invitae), Labcorp
Classification: Uncertain significance. Last evaluated: 2024-11-11. Review status: criteria provided, single submitter. Criteria: Invitae Variant Classification Sherloc (09022015). Collection method: clinical testing. Allele origin: germline.
Comment: This sequence change replaces glycine, which is neutral and non-polar, with valine, which is neutral and non-polar, at codon 1434 of the ADGRV1 protein (p.Gly1434Val). This variant is not present in population databases (gnomAD no frequency). This variant has not been reported in the literature in individuals affected with ADGRV1-related conditions. ClinVar contains an entry for this variant (Variation ID: 1367778). Invitae Evidence Modeling of protein sequence and biophysical properties (such as structural, functional, and spatial information, amino acid conservation, physicochemical variation, residue mobility, and thermodynamic stability) indicates that this missense variant is not expected to disrupt ADGRV1 protein function with a negative predictive value of 80%. In summary, the available evidence is currently insufficient to determine the role of this variant in disease. Therefore, it has been classified as a Variant of Uncertain Significance.